The following is an entry in ClinVar:

NM_001369268.1(ACAN):c.893G>A (p.Ser298Asn)

Gene: ACAN (aggrecan; plus strand). Cytogenetic location: 15q26.1.
Variant type: single nucleotide variant.
Coding change: c.893G>A on transcript NM_001369268.1 (MANE Select); coding-DNA position 893, G replaced by A.
Protein change: p.Ser298Asn; replaces serine 298 with asparagine.
Molecular consequence: missense variant.
Genome position (GRCh38, 1-based): chr15:88,843,490, G>A. VCF-style: chr15-88843490-G-A. GRCh37 (hg19) VCF-style: chr15-89386721-G-A.
Other names: c.893G>A, p.Ser298Asn (NM_001411097.1, NM_013227.4, NM_001135.4 and 1 more transcripts); short protein forms S298N.
Identifiers: ClinVar variation 2871318 (VCV002871318.3), dbSNP rs752944661, ClinGen allele CA7719394.

ClinVar aggregate classification (germline): Uncertain significance (1 of 4 stars; one submission).

Allele frequency attached by ClinVar (database versions not stated): gnomAD exomes below 0.00001; TOPMed below 0.00001; gnomAD 0.00001; ExAC 0.00002.
gnomAD v4.1: 8 of 1,611,946 alleles (0.0005%); highest among the groups gnomAD compares: Non-Finnish European, 0.00034%; no homozygotes.

Submission:

Labcorp Genetics (formerly Invitae), Labcorp
Classification: Uncertain significance. Last evaluated: 2023-11-15. Review status: criteria provided, single submitter. Criteria: Invitae Variant Classification Sherloc (09022015). Collection method: clinical testing. Allele origin: germline.
Comment: This sequence change replaces serine, which is neutral and polar, with asparagine, which is neutral and polar, at codon 298 of the ACAN protein (p.Ser298Asn). This variant is present in population databases (rs752944661, gnomAD 0.005%). This variant has not been reported in the literature in individuals affected with ACAN-related conditions. Advanced modeling of protein sequence and biophysical properties (such as structural, functional, and spatial information, amino acid conservation, physicochemical variation, residue mobility, and thermodynamic stability) performed at Invitae indicates that this missense variant is not expected to disrupt ACAN protein function with a negative predictive value of 80%. In summary, the available evidence is currently insufficient to determine the role of this variant in disease. Therefore, it has been classified as a Variant of Uncertain Significance.